The following is an entry in ClinVar:

ClinVar aggregate classification (germline): Conflicting classifications of pathogenicity. Review status: criteria provided, conflicting classifications (1 of 4 stars). 6 submissions from 6 submitters: Uncertain significance (3); Likely benign (1). 2 of the submissions do not count toward it. Last evaluated 2024-12-26.

Conditions:
VPS13B-related disorder. Also called: VPS13B-related condition.
Cohen syndrome (COH1). Also called: Cutis verticis gyrata, retinitis pigmentosa, and sensorineural deafness; PEPPER SYNDROME. Identifiers: Orphanet 193, MedGen C0265223, MONDO:0008999, OMIM 216550.

Allele frequency attached by ClinVar (database versions not stated): ExAC 0.00002; gnomAD 0.00002; TOPMed 0.00003.
gnomAD v4.1: 27 of 1,614,038 alleles (0.0017%); highest among the groups gnomAD compares: Admixed American, 0.01%; no homozygotes.

Submissions (6):

Labcorp Genetics (formerly Invitae), Labcorp
Classification: Uncertain significance for Cohen syndrome. Last evaluated: 2024-12-26. Review status: criteria provided, single submitter. Criteria: Invitae Variant Classification Sherloc (09022015). Collection method: clinical testing. Allele origin: germline.
Comment: This sequence change replaces threonine, which is neutral and polar, with methionine, which is neutral and non-polar, at codon 398 of the VPS13B protein (p.Thr398Met). This variant is present in population databases (rs753703762, gnomAD 0.02%). This variant has not been reported in the literature in individuals affected with VPS13B-related conditions. ClinVar contains an entry for this variant (Variation ID: 971429). Invitae Evidence Modeling of protein sequence and biophysical properties (such as structural, functional, and spatial information, amino acid conservation, physicochemical variation, residue mobility, and thermodynamic stability) indicates that this missense variant is expected to disrupt VPS13B protein function with a positive predictive value of 80%. In summary, the available evidence is currently insufficient to determine the role of this variant in disease. Therefore, it has been classified as a Variant of Uncertain Significance.

3billion
Classification: Likely benign for Cohen syndrome. Last evaluated: 2024-09-20. Review status: criteria provided, single submitter. Criteria: ACMG Guidelines, 2015. Collection method: clinical testing. Allele origin: germline. Affected: no.
Comment: The homozygous variant was found in patients diagnosed with another variant in a different gene, with no symptoms related to the gene containing the homozygous variant.

Revvity Omics, Revvity
Classification: Uncertain significance for Cohen syndrome. Last evaluated: 2023-09-18. Review status: criteria provided, single submitter. Criteria: ACMG Guidelines, 2015. Collection method: clinical testing. Allele origin: germline.

Fulgent Genetics
Classification: Uncertain significance for Cohen syndrome. Last evaluated: 2021-12-16. Review status: criteria provided, single submitter. Criteria: ACMG Guidelines, 2015. Collection method: clinical testing. Allele origin: unknown.

PreventionGenetics, part of Exact Sciences
Classification: Uncertain significance for VPS13B-related condition. Last evaluated: 2024-05-07. Review status: no assertion criteria provided. Collection method: clinical testing. Allele origin: germline. Not counted in ClinVar's aggregate classification.
Comment: The VPS13B c.1193C>T variant is predicted to result in the amino acid substitution p.Thr398Met. To our knowledge, this variant has not been reported in the literature. This variant is reported in 0.015% of alleles in individuals of East Asian descent in gnomAD. At this time, the clinical significance of this variant is uncertain due to the absence of conclusive functional and genetic evidence.

Natera, Inc.
Classification: Uncertain significance for Cohen syndrome. Last evaluated: 2020-03-27. Review status: no assertion criteria provided. Collection method: clinical testing. Allele origin: germline. Not counted in ClinVar's aggregate classification.

NM_152564.5(VPS13B):c.1193C>T (p.Thr398Met)

Gene: VPS13B (vacuolar protein sorting 13 homolog B; plus strand). Cytogenetic location: 8q22.2.
Variant type: single nucleotide variant.
Coding change: c.1193C>T on transcript NM_152564.5 (MANE Select); coding-DNA position 1193, C replaced by T.
Protein change: p.Thr398Met; replaces threonine 398 with methionine.
Molecular consequence: missense variant. On other transcripts: non-coding transcript variant (1).
Genome position (GRCh38, 1-based): chr8:99,121,432, C>T. VCF-style: chr8-99121432-C-T. GRCh37 (hg19) VCF-style: chr8-100133660-C-T.
Other names: c.1193C>T, p.Thr398Met (NM_015243.3, NM_017890.5, NM_181661.3); c.1193C>T (NM_152564.4); short protein forms T398M.
Identifiers: ClinVar variation 971429 (VCV000971429.10), dbSNP rs753703762, ClinGen allele CA4822557.